The following is an entry in ClinVar:

NM_000062.3(SERPING1):c.551-156A>G

Gene: SERPING1 (serpin family G member 1; plus strand). Cytogenetic location: 11q12.1.
Variant type: single nucleotide variant.
Coding change: c.551-156A>G on transcript NM_000062.3 (MANE Select); 156 bases into the intron before coding-DNA position 551, A replaced by G.
Molecular consequence: intron variant.
Genome position (GRCh38, 1-based): chr11:57,601,879, A>G. VCF-style: chr11-57601879-A-G. GRCh37 (hg19) VCF-style: chr11-57369352-A-G.
Other names: c.551-156A>G (NM_001032295.2).
Identifiers: ClinVar variation 983242 (VCV000983242.2), dbSNP rs1945351209, ClinGen allele CA938326675.

ClinVar aggregate classification (germline): Benign (1 of 4 stars; one submission).

Conditions:
Hereditary angioedema type 1 (HAE1). Identifiers: Orphanet 100050, Orphanet 100051, Orphanet 91378, MedGen C2717906, MONDO:0015053, OMIM 106100.

Submission:

CeMIA
Classification: Benign for Hereditary angioedema type 1. Review status: criteria provided, single submitter. Criteria: ACMG Guidelines, 2015. Collection method: clinical testing. Allele origin: germline. Affected: yes.
Comment: This variant is considered likely benign or benign based on one or more of the following criteria: allele frequency is >5% in Exome Sequencing Project, 1000 Genomes Project, or Exome Aggregation Consortium (BA1), allele frequency is greater than expected for disorder (BS1), it is observed in a healthy adult individual (BS2), it is predicted to be benign by multiple in silico algorithms (BP4), it is found in a case with an alternate molecular basis for the disease (BP5) and/or reputable source recently reports variant as benign (BP6).

Literature cited by the submitters: PubMed 31959500.